The following is an entry in ClinVar:

NM_182710.3(KAT5):c.656G>A (p.Arg219Gln)

Gene: KAT5 (lysine acetyltransferase 5; plus strand). Cytogenetic location: 11q13.1.
Variant type: single nucleotide variant.
Coding change: c.656G>A on transcript NM_182710.3 (MANE Select); coding-DNA position 656, G replaced by A.
Protein change: p.Arg219Gln; replaces arginine 219 with glutamine.
Molecular consequence: missense variant.
Genome position (GRCh38, 1-based): chr11:65,713,814, G>A. VCF-style: chr11-65713814-G-A. GRCh37 (hg19) VCF-style: chr11-65481285-G-A.
Other names: c.500G>A, p.Arg167Gln (NM_001206833.2); c.557G>A, p.Arg186Gln (NM_006388.4); c.401G>A, p.Arg134Gln (NM_182709.3); short protein forms R134Q, R167Q, R186Q, R219Q.
Identifiers: ClinVar variation 2628623 (VCV002628623.1), dbSNP rs372880133, ClinGen allele CA223992100.

ClinVar aggregate classification (germline): Uncertain significance (1 of 4 stars; one submission).

Conditions:
KAT5-related disorder. Also called: KAT5-related condition.

Allele frequency attached by ClinVar (database versions not stated): TOPMed below 0.00001; gnomAD 0.00001; gnomAD exomes 0.00001; ESP Exome Variant Server 0.00008.
gnomAD v4.1: 16 of 1,601,512 alleles (0.001%); highest among the groups gnomAD compares: Non-Finnish European, 0.0012%; no homozygotes.

Submission:

PreventionGenetics, part of Exact Sciences
Classification: Uncertain significance for KAT5-related condition. Last evaluated: 2022-12-15. Review status: criteria provided, single submitter. Criteria: ACMG Guidelines, 2015. Collection method: clinical testing. Allele origin: germline.
Comment: The KAT5 c.656G>A variant is predicted to result in the amino acid substitution p.Arg219Gln. To our knowledge, this variant has not been reported in the literature. This variant is reported in 0.0% of alleles in individuals of African descent in gnomAD. At this time, the clinical significance of this variant is uncertain due to the absence of conclusive functional and genetic evidence.